The following is an entry in ClinVar:

NC_000019.10:g.852288C>A

Gene: ELANE (elastase, neutrophil expressed; plus strand). Cytogenetic location: 19p13.3.
Variant type: single nucleotide variant.
Genome position: GRCh38 VCF-style: chr19-852288-C-A. GRCh37 (hg19) VCF-style: chr19-852288-C-A.
Identifiers: ClinVar variation 137203 (VCV000137203.34), dbSNP rs17216614, ClinGen allele CA290732.

ClinVar aggregate classification (germline): Benign. Review status: criteria provided, multiple submitters, no conflicts (2 of 4 stars). 6 submissions from 6 submitters: Benign (6). Last evaluated 2025-09-01.

Conditions:
Cyclical neutropenia. Also called: Cyclic hematopoiesis; Cyclic Neutropenia. Identifiers: Orphanet 2686, MedGen C0221023, MONDO:0008090, OMIM 162800, HP:0040289. Disease mechanism: loss of function.
Neutropenia, severe congenital, 1, autosomal dominant. Identifiers: MedGen C1859966, MONDO:0042490, OMIM 202700.

Allele frequency attached by ClinVar (database versions not stated): ExAC 0.00339; ESP Exome Variant Server 0.01087; TOPMed 0.01207; gnomAD 0.00970; 1000 Genomes Project 30x 0.01218; 1000 Genomes Project 0.01278.

Submissions (6):

CeGaT Center for Human Genetics Tuebingen
Classification: Benign. Last evaluated: 2025-09-01. Review status: criteria provided, single submitter. Criteria: CeGaT Center For Human Genetics Tuebingen Variant Classification Criteria Version 2. Collection method: clinical testing. Allele origin: germline. Affected: yes. Observed: 2 variant alleles.
Comment: ELANE: BS1, BS2

ARUP Laboratories, Molecular Genetics and Genomics, ARUP Laboratories
Classification: Benign. Last evaluated: 2025-04-28. Review status: criteria provided, single submitter. Criteria: ARUP Molecular Germline Variant Investigation Process 2024. Collection method: clinical testing. Allele origin: germline.

Labcorp Genetics (formerly Invitae), Labcorp
Classification: Benign for Neutropenia, severe congenital, 1, autosomal dominant; Cyclical neutropenia. Last evaluated: 2025-02-17. Review status: criteria provided, single submitter. Criteria: Invitae Variant Classification Sherloc (09022015). Collection method: clinical testing. Allele origin: germline.

GeneDx
Classification: Benign. Last evaluated: 2013-01-19. Review status: criteria provided, single submitter. Criteria: GeneDx Variant Classification (06012015). Collection method: clinical testing. Allele origin: germline. Affected: yes.
Comment: This variant is considered likely benign or benign based on one or more of the following criteria: it is a conservative change, it occurs at a poorly conserved position in the protein, it is predicted to be benign by multiple in silico algorithms, and/or has population frequency not consistent with disease.

Breakthrough Genomics
Classification: Benign. Review status: criteria provided, single submitter. Criteria: ACMG Guidelines, 2015. Collection method: not provided. Allele origin: germline. Inheritance: Autosomal dominant inheritance. Affected: yes.

PreventionGenetics, part of Exact Sciences
Classification: Benign. Review status: criteria provided, single submitter. Criteria: ACMG Guidelines, 2015. Collection method: clinical testing. Allele origin: germline.